The following is an entry in ClinVar:

NM_000463.3(UGT1A1):c.625C>G (p.Arg209Gly)

Genes: UGT1A (UDP glucuronosyltransferase family 1 member A complex locus; plus strand), UGT1A1 (UDP glucuronosyltransferase family 1 member A1; plus strand), UGT1A10 (UDP glucuronosyltransferase family 1 member A10; plus strand), UGT1A3 (UDP glucuronosyltransferase family 1 member A3; plus strand), UGT1A4 (UDP glucuronosyltransferase family 1 member A4; plus strand) and 5 more. Cytogenetic location: 2q37.1.
Variant type: single nucleotide variant.
Coding change: c.625C>G on transcript NM_000463.3 (MANE Select); coding-DNA position 625, C replaced by G.
Protein change: p.Arg209Gly; replaces arginine 209 with glycine.
Molecular consequence: missense variant. On other transcripts: intron variant (9).
Genome position (GRCh38, 1-based): chr2:233,760,912, C>G. VCF-style: chr2-233760912-C-G. GRCh37 (hg19) VCF-style: chr2-234669558-C-G.
Other names: c.856-6122C>G (NM_019076.5, NM_019075.4, NM_021027.3 and 1 more transcripts); c.61-6122C>G (NM_205862.3); c.862-6122C>G (NM_001072.4); c.868-6122C>G (NM_019078.2, NM_007120.3, NM_019093.4); short protein forms R209G.
Identifiers: ClinVar variation 4689322 (VCV004689322.1).

ClinVar aggregate classification (germline): Uncertain significance (1 of 4 stars; one submission).

gnomAD v4.1: 1 of 1,614,070 alleles (0.000062%); highest among the groups gnomAD compares: African/African-American, 0.0013%; no homozygotes.

Submission:

Women's Health and Genetics/Laboratory Corporation of America, LabCorp
Classification: Uncertain significance. Last evaluated: 2026-01-16. Review status: criteria provided, single submitter. Criteria: LabCorp Variant Classification Summary - May 2015. Collection method: clinical testing. Allele origin: germline.
Comment: Variant summary: UGT1A1 c.625C>G (p.Arg209Gly) results in a non-conservative amino acid change in the encoded protein sequence. Algorithms developed to predict the effect of missense changes on protein structure and function all suggest that this variant is likely to be disruptive. The variant allele was found at a frequency of 4e-06 in 251492 control chromosomes. The available data on variant occurrences in the general population are insufficient to allow any conclusion about variant significance. To our knowledge, no occurrence of c.625C>G in individuals affected with UGT1A1-related conditions and no experimental evidence demonstrating its impact on protein function have been reported. No submitters have cited clinical-significance assessments for this variant to ClinVar. Based on the evidence outlined above, the variant was classified as uncertain significance.